The following is an entry in ClinVar:

ClinVar aggregate classification (germline): Likely benign. Review status: criteria provided, multiple submitters, no conflicts (2 of 4 stars). 2 submissions from 2 submitters: Likely benign (2). Last evaluated 2025-12-21.

Allele frequency attached by ClinVar (database versions not stated): TOPMed below 0.00001; gnomAD 0.00001; ExAC 0.00004.
gnomAD v4.1: 22 of 1,608,652 alleles (0.0014%); highest among the groups gnomAD compares: South Asian, 0.015%; 1 homozygote.

Submissions (2):

Labcorp Genetics (formerly Invitae), Labcorp
Classification: Likely benign. Last evaluated: 2025-12-21. Review status: criteria provided, single submitter. Criteria: Invitae Variant Classification Sherloc (09022015). Collection method: clinical testing. Allele origin: germline.

GeneDx
Classification: Likely benign. Last evaluated: 2017-05-03. Review status: criteria provided, single submitter. Criteria: GeneDx Variant Classification (06012015). Collection method: clinical testing. Allele origin: germline. Affected: yes.
Comment: This variant is considered likely benign or benign based on one or more of the following criteria: it is a conservative change, it occurs at a poorly conserved position in the protein, it is predicted to be benign by multiple in silico algorithms, and/or has population frequency not consistent with disease.

NM_006231.4(POLE):c.2468+18C>T

Gene: POLE (DNA polymerase epsilon, catalytic subunit; minus strand). Cytogenetic location: 12q24.33.
Variant type: single nucleotide variant.
Coding change: c.2468+18C>T on transcript NM_006231.4 (MANE Select); 18 bases into the intron after coding-DNA position 2468, C replaced by T.
Molecular consequence: intron variant.
Genome position (GRCh38, 1-based): chr12:132,665,284, G>A on the plus strand (C>T on the coding strand, the complement: POLE is on the minus strand). VCF-style: chr12-132665284-G-A. GRCh37 (hg19) VCF-style: chr12-133241870-G-A.
Identifiers: ClinVar variation 381941 (VCV000381941.8), dbSNP rs748559369, ClinGen allele CA6893548.